The following is an entry in ClinVar:

ClinVar aggregate classification (germline): Likely pathogenic (1 of 4 stars; one submission).

Submission:

Labcorp Genetics (formerly Invitae), Labcorp
Classification: Likely pathogenic. Last evaluated: 2022-01-28. Review status: criteria provided, single submitter. Criteria: Invitae Variant Classification Sherloc (09022015). Collection method: clinical testing. Allele origin: germline.
Comment: This variant results in the deletion of part of exon 7 (c.597_597+1del) of the MLC1 gene. It is expected to disrupt RNA splicing. Variants that disrupt the donor or acceptor splice site typically lead to a loss of protein function (PMID: 16199547), and loss-of-function variants in MLC1 are known to be pathogenic (PMID: 11254442, 16470554, 24824219). This variant is not present in population databases (gnomAD no frequency). This variant has not been reported in the literature in individuals affected with MLC1-related conditions. Algorithms developed to predict the effect of sequence changes on RNA splicing suggest that this variant may disrupt the consensus splice site. In summary, the currently available evidence indicates that the variant is pathogenic, but additional data are needed to prove that conclusively. Therefore, this variant has been classified as Likely Pathogenic.

Literature cited by the submitters: PubMed 16199547; PubMed 11254442; PubMed 16470554; PubMed 24824219.

NM_015166.4(MLC1):c.597_597+1del

Gene: MLC1 (modulator of VRAC current 1; minus strand). Cytogenetic location: 22q13.33.
Variant type: Deletion.
Coding change: c.597_597+1del on transcript NM_015166.4 (MANE Select); coding-DNA position 597 through the canonical splice donor site of the intron after coding-DNA position 597, 2 bases deleted (AG; older notation c.597_597+1delAG).
Molecular consequence: splice donor variant.
Genome position (GRCh38, 1-based): chr22:50,076,840-50,076,841, CT deleted on the plus strand (AG on the coding strand, the reverse complement: MLC1 is on the minus strand). VCF-style (leftmost placement, unchanged base first): chr22-50076839-ACT-A. GRCh37 (hg19) VCF-style: chr22-50515268-ACT-A.
Other names: c.597_597+1del (NM_001376474.1, NM_001376475.1, NM_001376476.1 and 6 more transcripts); c.360_360+1del (NM_001376484.1); c.507_507+1del (NM_001376480.1); c.441_441+1del (NM_001376482.1, NM_001376483.1); c.495_495+1del (NM_001376481.1).
Identifiers: ClinVar variation 2090684 (VCV002090684.4), dbSNP rs2518312698, ClinGen allele CA2580099921.
Genomic context (GRCh38, chr22:50,076,839, plus strand): 5'-TCCAGCCTCAGTCACCCCCGACAGAGTATGAGAGAAAAGAGAAAGAAGGGAAGTTTTCTT[ACT>A]GAGTAAGATTTCAGGACCCGAGCAGGAAATGGCACTTCGTCCAGAATGTTGGCGCTGTCA-3'